The following is an entry in ClinVar:

ClinVar aggregate classification (germline): Uncertain significance (1 of 4 stars; one submission).

Conditions:
Hereditary pancreatitis (PCTT). Also called: Hereditary chronic pancreatitis; PRSS1-Related Hereditary Pancreatitis. Identifiers: Orphanet 676, MedGen C0238339, MONDO:0008185, OMIM 167800.

Submission:

Ambry Genetics
Classification: Uncertain significance for Hereditary pancreatitis. Last evaluated: 2023-01-31. Review status: criteria provided, single submitter. Criteria: Ambry Variant Classification Scheme 2023. Collection method: clinical testing. Allele origin: germline.
Comment: The p.K23E variant (also known as c.67A>G), located in coding exon 2 of the PRSS1 gene, results from an A to G substitution at nucleotide position 67. The lysine at codon 23 is replaced by glutamic acid, an amino acid with similar properties. This amino acid position is well conserved in available vertebrate species. In addition, the in silico prediction for this alteration is inconclusive. Since supporting evidence is limited at this time, the clinical significance of this alteration remains unclear.

NM_002769.5(PRSS1):c.67A>G (p.Lys23Glu)

Genes: PRSS1 (serine protease 1; plus strand), TRB (T cell receptor beta locus; plus strand). Cytogenetic location: 7q34.
Variant type: single nucleotide variant.
Coding change: c.67A>G on transcript NM_002769.5 (MANE Select); coding-DNA position 67, A replaced by G.
Protein change: p.Lys23Glu; replaces lysine 23 with glutamic acid.
Molecular consequence: missense variant. On other transcripts: non-coding transcript variant (2).
Genome position (GRCh38, 1-based): chr7:142,750,581, A>G. VCF-style: chr7-142750581-A-G. GRCh37 (hg19) VCF-style: chr7-142458432-A-G.
Other names: short protein forms K23E.
Identifiers: ClinVar variation 2448229 (VCV002448229.2), dbSNP rs1290077635, ClinGen allele CA369607074.
Genomic context (GRCh38, chr7:142,750,581, plus strand): 5'-TGACTTGCCTTCTCCCTTCCCATCTCCACTCCAGTTGCTGCCCCCTTTGATGATGATGAC[A>G]AGATCGTTGGGGGCTACAACTGTGAGGAGAATTCTGTCCCCTACCAGGTGTCCCTGAATT-3'
Protein context (NP_002760.1, residues 13-33): ALAAPFDDDD[Lys23Glu]IVGGYNCEEN